The following is an entry in ClinVar:

NM_000096.4(CP):c.82A>T (p.Ile28Phe)

Gene: CP (ceruloplasmin; minus strand). Cytogenetic location: 3q25.1.
Variant type: single nucleotide variant.
Coding change: c.82A>T on transcript NM_000096.4 (MANE Select); coding-DNA position 82, A replaced by T.
Protein change: p.Ile28Phe; replaces isoleucine 28 with phenylalanine.
Molecular consequence: missense variant. On other transcripts: non-coding transcript variant (1).
Genome position (GRCh38, 1-based): chr3:149,221,711, T>A on the plus strand (A>T on the coding strand, the complement: CP is on the minus strand). VCF-style: chr3-149221711-T-A. GRCh37 (hg19) VCF-style: chr3-148939498-T-A.
Other names: I9F; short protein forms I28F.
Identifiers: ClinVar variation 42057 (VCV000042057.7), dbSNP rs386134121, ClinGen allele CA344491.
Genomic context (GRCh38, chr3:149,221,711, plus strand): 5'-CAACAGAAATAAGTTTCTTTTCCCCATGGTCAGAGGCATAATCCCAAGTCGTTTCAATAA[T>A]TCCAATGTAATAATGCTTTTCTTTCGCCCAGGCTGGGGTACTACATAAAAACAGAAAAAT-3'
Protein context (NP_000087.2, residues 18-38): WAKEKHYYIG[Ile28Phe]IETTWDYASD

ClinVar aggregate classification (germline): Uncertain significance. Review status: criteria provided, single submitter (1 of 4 stars). 2 submissions from 2 submitters: Uncertain significance (1). 1 of the submissions does not count toward it. Last evaluated 2022-04-29.

Conditions:
Deficiency of ferroxidase (ACEP). Also called: Deficiency of ceruloplasmin; Aceruloplasminemia; Ceruloplasmin deficiency; Familial apoceruloplasmin deficiency; Hereditary ceruloplasmin deficiency; NEURODEGENERATION WITH BRAIN IRON ACCUMULATION 10. Identifiers: Orphanet 48818, MedGen C0878682, MONDO:0011426, OMIM 604290, HP:0025498.

Submissions (2):

Labcorp Genetics (formerly Invitae), Labcorp
Classification: Uncertain significance for Deficiency of ferroxidase. Last evaluated: 2022-04-29. Review status: criteria provided, single submitter. Criteria: Invitae Variant Classification Sherloc (09022015). Collection method: clinical testing. Allele origin: germline.
Comment: In summary, the available evidence is currently insufficient to determine the role of this variant in disease. Therefore, it has been classified as a Variant of Uncertain Significance. Experimental studies are conflicting or provide insufficient evidence to determine the effect of this variant on CP function (PMID: 16775387, 19095659). Advanced modeling of protein sequence and biophysical properties (such as structural, functional, and spatial information, amino acid conservation, physicochemical variation, residue mobility, and thermodynamic stability) performed at Invitae indicates that this missense variant is expected to disrupt CP protein function. ClinVar contains an entry for this variant (Variation ID: 42057). This variant is also known as I9F. This missense change has been observed in individual(s) with hypoceruloplasminemia (PMID: 10997552). This variant is not present in population databases (gnomAD no frequency). This sequence change replaces isoleucine, which is neutral and non-polar, with phenylalanine, which is neutral and non-polar, at codon 28 of the CP protein (p.Ile28Phe).

GeneReviews
Classification: Pathogenic for Aceruloplasminemia. Last evaluated: 2013-04-18. Review status: no assertion criteria provided. Collection method: curation. Allele origin: unknown. Not counted in ClinVar's aggregate classification.
ClinVar note: Converted during submission from pathologic to Pathogenic.

Literature cited by the submitters: PubMed 16775387 (cited by Labcorp Genetics (formerly Invitae), Labcorp); PubMed 19095659 (cited by Labcorp Genetics (formerly Invitae), Labcorp); PubMed 10997552 (cited by Labcorp Genetics (formerly Invitae), Labcorp).